The following is an entry in ClinVar:

ClinVar aggregate classification (germline): Conflicting classifications of pathogenicity. Review status: criteria provided, conflicting classifications (1 of 4 stars). 2 submissions from 2 submitters: Uncertain significance (1); Likely benign (1). Last evaluated 2025-06-30.

Conditions:
Telangiectasia, hereditary hemorrhagic, type 2 (HHT2). Also called: ACVRL1-Related Hereditary Hemorrhagic Telangiectasia; Telangiectasia, hereditary hemorrhagic, type II. Identifiers: Orphanet 774, MedGen C1838163, MONDO:0010880, OMIM 600376. Disease mechanism: loss of function.

Allele frequency attached by ClinVar (database versions not stated): TOPMed 0.00005.

Submissions (2):

Labcorp Genetics (formerly Invitae), Labcorp
Classification: Likely benign for Telangiectasia, hereditary hemorrhagic, type 2. Last evaluated: 2025-06-30. Review status: criteria provided, single submitter. Criteria: Invitae Variant Classification Sherloc (09022015). Collection method: clinical testing. Allele origin: germline.

Center for Genomics, Ann and Robert H. Lurie Children's Hospital of Chicago
Classification: Uncertain significance for Telangiectasia, hereditary hemorrhagic, type 2. Last evaluated: 2021-03-30. Review status: criteria provided, single submitter. Criteria: ACMG Guidelines, 2015. Collection method: clinical testing. Allele origin: germline.
Comment: ACVRL1: NM_000020 exon 3 c.313+7C>T : This variant has not been reported in the literature but is present in 3/23138 African alleles in the Genome Aggregation Database. Evolutionary conservation and computational predictive tools for this variant are limited or unavailable. This variant is an intronic variant with no predicted change in the amino acid sequence but may have an unknown effect on splicing. Further studies are needed to understand its impact. In summary, data on this variant is insufficient for disease classification. Therefore, the clinical significance of this variant is uncertain.

NM_000020.3(ACVRL1):c.313+7C>T

Gene: ACVRL1 (activin A receptor like type 1; plus strand). Cytogenetic location: 12q13.13.
Variant type: single nucleotide variant.
Coding change: c.313+7C>T on transcript NM_000020.3 (MANE Select); 7 bases into the intron after coding-DNA position 313, C replaced by T.
Molecular consequence: intron variant.
Genome position (GRCh38, 1-based): chr12:51,913,357, C>T. VCF-style: chr12-51913357-C-T. GRCh37 (hg19) VCF-style: chr12-52307141-C-T.
Other names: c.313+7C>T (NM_001077401.2).
Identifiers: ClinVar variation 625878 (VCV000625878.3), dbSNP rs374171506, ClinGen allele CA6572861.